The following is an entry in ClinVar:

ClinVar aggregate classification (germline): Likely benign (1 of 4 stars; one submission).

Allele frequency attached by ClinVar (database versions not stated): gnomAD 0.00001 and 0.00003; TOPMed 0.00001 and below 0.00001.
gnomAD v4.1: 12 of 1,612,900 alleles (0.00074%); highest among the groups gnomAD compares: African/African-American, 0.0013%; no homozygotes.

Submission:

GeneDx
Classification: Likely benign. Last evaluated: 2017-03-14. Review status: criteria provided, single submitter. Criteria: GeneDx Variant Classification (06012015). Collection method: clinical testing. Allele origin: germline. Affected: yes.
Comment: This variant is considered likely benign or benign based on one or more of the following criteria: it is a conservative change, it occurs at a poorly conserved position in the protein, it is predicted to be benign by multiple in silico algorithms, and/or has population frequency not consistent with disease.

NM_024537.4(CARS2):c.920-18C>A

Gene: CARS2 (cysteinyl-tRNA synthetase 2, mitochondrial; minus strand). Cytogenetic location: 13q34.
Variant type: single nucleotide variant.
Coding change: c.920-18C>A on transcript NM_024537.4 (MANE Select); 18 bases into the intron before coding-DNA position 920, C replaced by A.
Molecular consequence: intron variant. On other transcripts: 3 prime UTR variant (1).
Genome position (GRCh38, 1-based): chr13:110,663,536, G>T on the plus strand (C>A on the coding strand, the complement: CARS2 is on the minus strand). VCF-style: chr13-110663536-G-T. GRCh37 (hg19) VCF-style: chr13-111315883-G-T.
Other names: c.*374C>A (NM_001352253.3); c.134-18C>A (NM_001352252.2).
Identifiers: ClinVar variation 507886 (VCV000507886.1), dbSNP rs1057521365, ClinGen allele CA612643716.
Genomic context (GRCh38, chr13:110,663,536, plus strand): 5'-GATTTGGACATTTTTTCTTCTTTGCCTTTGGCGTGCAAATGCCCTGAAACAAAAACAAAA[G>T]CATTCAGTCTGAGCTGGGTGAGGAGACTCTCTGGCCTCAGGGACACATGGCTCCCCAGGA-3'